The following is an entry in ClinVar:

ClinVar aggregate classification (germline): Uncertain significance (0 of 4 stars; one submission).

Conditions:
MRAP2-related disorder. Also called: MRAP2-related condition.

Submission:

PreventionGenetics, part of Exact Sciences
Classification: Uncertain significance for MRAP2-related condition. Last evaluated: 2024-05-31. Review status: no assertion criteria provided. Collection method: clinical testing. Allele origin: germline.
Comment: The MRAP2 c.346_349delTTTC variant is predicted to result in a frameshift and premature protein termination (p.Phe116Thrfs*42). To our knowledge, this variant has not been reported in the literature. This variant is reported in 0.0058% of alleles in individuals of Latino descent in gnomAD. Early termination changes are not an established mechanism of disease for this gene. At this time, the clinical significance of this variant is uncertain due to the absence of conclusive functional and genetic evidence.

NM_138409.4(MRAP2):c.346_349del (p.Phe116fs)

Gene: MRAP2 (melanocortin 2 receptor accessory protein 2; plus strand). Cytogenetic location: 6q14.2.
Variant type: Deletion.
Coding change: c.346_349del on transcript NM_138409.4 (MANE Select); coding-DNA positions 346 to 349, 4 bases deleted (TTTC; older notation c.346_349delTTTC).
Protein change: p.Phe116fs; shifts the reading frame from phenylalanine 116.
Molecular consequence: frameshift variant.
Genome position (GRCh38, 1-based): chr6:84,089,209-84,089,212, TTTC deleted; deleting any 4 consecutive bases within chr6:84,089,207-84,089,212 gives the same sequence; the c. name uses the placement nearest the transcript's 3' end. VCF-style (leftmost placement, unchanged base first): chr6-84089206-CTCTT-C. GRCh37 (hg19) VCF-style: chr6-84798925-CTCTT-C.
Other names: c.88_91del, p.Phe30fs (NM_001346541.2); c.346_349del, p.Phe116fs (NM_001346542.2, NM_001346544.2); c.181_184del, p.Phe61fs (NM_001346543.2); short protein forms F116fs, F30fs, F61fs.
Identifiers: ClinVar variation 3353893 (VCV003353893.1).